The following is an entry in ClinVar:

ClinVar aggregate classification (germline): Uncertain significance (1 of 4 stars; one submission).

Conditions:
Familial thoracic aortic aneurysm and aortic dissection (TAAD). Also called: Thoracic aortic aneurysms and dissections. Identifiers: Orphanet 91387, MedGen C4707243, MONDO:0019625.

Submission:

Ambry Genetics
Classification: Uncertain significance for Familial thoracic aortic aneurysm and aortic dissection. Last evaluated: 2026-01-06. Review status: criteria provided, single submitter. Criteria: Ambry Variant Classification Scheme 2023. Collection method: clinical testing. Allele origin: germline.
Comment: The p.S273F variant (also known as c.818C>T), located in coding exon 7 of the ACTA2 gene, results from a C to T substitution at nucleotide position 818. The serine at codon 273 is replaced by phenylalanine, an amino acid with highly dissimilar properties. This amino acid position is conserved. In addition, this alteration is predicted to be deleterious by in silico analysis. Based on the available evidence, the clinical significance of this variant remains unclear.

NM_001613.4(ACTA2):c.818C>T (p.Ser273Phe)

Genes: ACTA2 (actin alpha 2, smooth muscle; minus strand), ACTA2-AS1 (ACTA2 antisense RNA 1; plus strand). Cytogenetic location: 10q23.31.
Variant type: single nucleotide variant.
Coding change: c.818C>T on transcript NM_001613.4 (MANE Select); coding-DNA position 818, C replaced by T.
Protein change: p.Ser273Phe; replaces serine 273 with phenylalanine.
Molecular consequence: missense variant. On other transcripts: non-coding transcript variant (1).
Genome position (GRCh38, 1-based): chr10:88,938,233, G>A on the plus strand (C>T on the coding strand, the complement: ACTA2 is on the minus strand). VCF-style: chr10-88938233-G-A. GRCh37 (hg19) VCF-style: chr10-90697990-G-A.
Other names: c.818C>T, p.Ser273Phe (NM_001141945.3, NM_001320855.2, NM_001406462.1 and 2 more transcripts); c.707C>T, p.Ser236Phe (NM_001406466.1); c.689C>T, p.Ser230Phe (NM_001406467.1, NM_001406468.1, NM_001406469.1); c.626C>T, p.Ser209Phe (NM_001406471.1); short protein forms S209F, S236F, S230F, S273F.
Identifiers: ClinVar variation 4842610 (VCV004842610.1).